The following is an entry in ClinVar:

ClinVar aggregate classification (germline): Uncertain significance (1 of 4 stars; one submission).

Conditions:
Charcot-Marie-Tooth disease dominant intermediate B (CMTDIB). Also called: CHARCOT-MARIE-TOOTH NEUROPATHY, DOMINANT INTERMEDIATE B; Charcot-Marie-Tooth disease dominant intermediate 1; CMT DI1; Charcot-Marie-Tooth disease dominant intermediate I. Identifiers: Orphanet 100044, Orphanet 228179, MedGen C1847902, MONDO:0011674, OMIM 606482.

Allele frequency attached by ClinVar (database versions not stated): gnomAD exomes below 0.00001.
gnomAD v4.1: 1 of 1,613,972 alleles (0.000062%); highest among the groups gnomAD compares: Non-Finnish European, 0.000085%; no homozygotes.

Submission:

Labcorp Genetics (formerly Invitae), Labcorp
Classification: Uncertain significance for Charcot-Marie-Tooth disease dominant intermediate B. Last evaluated: 2022-02-05. Review status: criteria provided, single submitter. Criteria: Invitae Variant Classification Sherloc (09022015). Collection method: clinical testing. Allele origin: germline.
Comment: This sequence change replaces aspartic acid, which is acidic and polar, with glycine, which is neutral and non-polar, at codon 339 of the DNM2 protein (p.Asp339Gly). In summary, the available evidence is currently insufficient to determine the role of this variant in disease. Therefore, it has been classified as a Variant of Uncertain Significance. Algorithms developed to predict the effect of missense changes on protein structure and function are either unavailable or do not agree on the potential impact of this missense change (SIFT: "Deleterious"; PolyPhen-2: "Possibly Damaging"; Align-GVGD: "Class C15"). This missense change has been observed in at least one individual who was not affected with DNM2-related conditions (Invitae). This variant has not been reported in the literature in individuals affected with DNM2-related conditions. This variant is not present in population databases (gnomAD no frequency).

NM_001005361.3(DNM2):c.1016A>G (p.Asp339Gly)

Gene: DNM2 (dynamin 2; plus strand). Cytogenetic location: 19p13.2.
Variant type: single nucleotide variant.
Coding change: c.1016A>G on transcript NM_001005361.3 (MANE Select); coding-DNA position 1016, A replaced by G.
Protein change: p.Asp339Gly; replaces aspartic acid 339 with glycine.
Molecular consequence: missense variant.
Genome position (GRCh38, 1-based): chr19:10,793,743, A>G. VCF-style: chr19-10793743-A-G. GRCh37 (hg19) VCF-style: chr19-10904419-A-G.
Other names: c.1016A>G, p.Asp339Gly (NM_001005360.3, NM_001005362.3, NM_001190716.2 and 1 more transcripts); short protein forms D339G.
Identifiers: ClinVar variation 1517007 (VCV001517007.8), dbSNP rs1568304280, ClinGen allele CA404047853.